The following is an entry in ClinVar:

NM_001184.4(ATR):c.2011T>A (p.Cys671Ser)

Gene: ATR (ATR checkpoint kinase; minus strand). Cytogenetic location: 3q23.
Variant type: single nucleotide variant.
Coding change: c.2011T>A on transcript NM_001184.4 (MANE Select); coding-DNA position 2011, T replaced by A.
Protein change: p.Cys671Ser; replaces cysteine 671 with serine.
Molecular consequence: missense variant.
Genome position (GRCh38, 1-based): chr3:142,556,450, A>T on the plus strand (T>A on the coding strand, the complement: ATR is on the minus strand). VCF-style: chr3-142556450-A-T. GRCh37 (hg19) VCF-style: chr3-142275292-A-T.
Other names: c.1819T>A, p.Cys607Ser (NM_001354579.2); short protein forms C607S, C671S.
Identifiers: ClinVar variation 2453584 (VCV002453584.2), dbSNP rs2473398443, ClinGen allele CA354819217.

ClinVar aggregate classification (germline): Uncertain significance (1 of 4 stars; one submission).

Conditions:
Inborn genetic diseases. Identifiers: MedGen C0950123, MeSH D030342.

Submission:

Ambry Genetics
Classification: Uncertain significance for Inborn genetic diseases. Last evaluated: 2023-02-04. Review status: criteria provided, single submitter. Criteria: Ambry Variant Classification Scheme 2023. Collection method: clinical testing. Allele origin: germline.
Comment: The p.C671S variant (also known as c.2011T>A), located in coding exon 9 of the ATR gene, results from a T to A substitution at nucleotide position 2011. The cysteine at codon 671 is replaced by serine, an amino acid with dissimilar properties. This amino acid position is conserved. In addition, the in silico prediction for this alteration is inconclusive. Since supporting evidence is limited at this time, the clinical significance of this alteration remains unclear.